The following is an entry in ClinVar:

NM_000051.4(ATM):c.1845C>T (p.Leu615=)

Gene: ATM (ATM serine/threonine kinase; plus strand). Cytogenetic location: 11q22.3.
Variant type: single nucleotide variant.
Coding change: c.1845C>T on transcript NM_000051.4 (MANE Select); coding-DNA position 1845, C replaced by T.
Protein change: p.Leu615=; no amino-acid change (leucine 615 retained).
Molecular consequence: synonymous variant.
Genome position (GRCh38, 1-based): chr11:108,252,859, C>T. VCF-style: chr11-108252859-C-T. GRCh37 (hg19) VCF-style: chr11-108123586-C-T.
Other names: c.1845C>T, p.Leu615= (NM_001351834.2).
Identifiers: ClinVar variation 766052 (VCV000766052.11), dbSNP rs1349398596, ClinGen allele CA476672234.

ClinVar aggregate classification (germline): Benign/Likely benign. Review status: criteria provided, multiple submitters, no conflicts (2 of 4 stars). 4 submissions from 4 submitters: Benign (1); Likely benign (3). Last evaluated 2025-03-24.

Conditions:
Hereditary cancer-predisposing syndrome. Also called: Tumor predisposition; Hereditary Cancer Syndrome; Neoplastic Syndromes, Hereditary; Hereditary neoplastic syndrome. Identifiers: Orphanet 140162, MedGen C0027672, MeSH D009386, MONDO:0015356.
Familial cancer of breast. Also called: Hereditary breast cancer; BREAST CANCER, FAMILIAL; hereditary breast carcinoma. Identifiers: Orphanet 227535, MedGen C0346153, MONDO:0016419, OMIM 114480. Disease mechanism: loss of function.
Ataxia-telangiectasia syndrome (AT). Also called: Ataxia telangiectasia (A-T); Cerebello-oculocutaneous telangiectasia; Immunodeficiency with ataxia telangiectasia; LOUIS-BAR SYNDROME; ATAXIA-TELANGIECTASIA, FRESNO VARIANT; Ataxia-telangiectasia, complementation group D. Identifiers: Orphanet 100, MedGen C0004135, MONDO:0008840, OMIM 208900.

Allele frequency attached by ClinVar (database versions not stated): gnomAD exomes below 0.00001.
gnomAD v4.1: 1 of 1,613,068 alleles (0.000062%); highest among the groups gnomAD compares: South Asian, 0.0011%; no homozygotes.

Submissions (4):

Color Diagnostics, LLC DBA Color Health
Classification: Likely benign for Hereditary cancer-predisposing syndrome. Last evaluated: 2025-03-24. Review status: criteria provided, single submitter. Criteria: ACMG Guidelines, 2015. Collection method: clinical testing. Allele origin: germline.

Ambry Genetics
Classification: Likely benign for Hereditary cancer-predisposing syndrome. Last evaluated: 2024-08-26. Review status: criteria provided, single submitter. Criteria: Ambry Variant Classification Scheme 2023. Collection method: clinical testing. Allele origin: germline.

Myriad Genetics, Inc.
Classification: Benign for Familial cancer of breast. Last evaluated: 2024-05-02. Review status: criteria provided, single submitter. Criteria: Myriad Autosomal Dominant, Autosomal Recessive and X-Linked Classification Criteria (2023). Collection method: clinical testing. Allele origin: unknown.
Comment: This variant is considered benign. This variant is a silent/synonymous amino acid change and it is not expected to impact splicing.

Labcorp Genetics (formerly Invitae), Labcorp
Classification: Likely benign for Ataxia-telangiectasia syndrome. Last evaluated: 2024-02-24. Review status: criteria provided, single submitter. Criteria: Invitae Variant Classification Sherloc (09022015). Collection method: clinical testing. Allele origin: germline.